The following is an entry in ClinVar:

ClinVar aggregate classification (germline): Uncertain significance (1 of 4 stars; one submission).

Conditions:
Epidermolysis bullosa simplex 3, localized or generalized intermediate, with BP230 deficiency (EBS3). Also called: Epidermolysis bullosa simplex, autosomal recessive 2; Epidermolysis bullosa simplex due to BP230 deficiency. Identifiers: Orphanet 412181, MedGen C3809470, MONDO:0014180, OMIM 615425.
Hereditary sensory and autonomic neuropathy type 6. Also called: HSAN VI; Neuropathy, hereditary sensory and autonomic, type VI. Identifiers: Orphanet 314381, MedGen C3539003, MONDO:0013839, OMIM 614653.

Allele frequency attached by ClinVar (database versions not stated): gnomAD exomes 0.00001; gnomAD 0.00003; TOPMed 0.00004; ESP Exome Variant Server 0.00015.
gnomAD v4.1: 9 of 1,614,018 alleles (0.00056%); highest among the groups gnomAD compares: African/African-American, 0.0093%; no homozygotes.

Submission:

Labcorp Genetics (formerly Invitae), Labcorp
Classification: Uncertain significance for Epidermolysis bullosa simplex 3, localized or generalized intermediate, with BP230 deficiency; Hereditary sensory and autonomic neuropathy type 6. Last evaluated: 2021-08-31. Review status: criteria provided, single submitter. Criteria: Invitae Variant Classification Sherloc (09022015). Collection method: clinical testing. Allele origin: germline.
Comment: This sequence change replaces threonine with arginine at codon 1885 of the DST protein (p.Thr1885Arg). The threonine residue is highly conserved and there is a moderate physicochemical difference between threonine and arginine. This variant is not present in population databases (ExAC no frequency). This variant has not been reported in the literature in individuals affected with DST-related conditions. Algorithms developed to predict the effect of missense changes on protein structure and function are either unavailable or do not agree on the potential impact of this missense change (SIFT: "Deleterious"; PolyPhen-2: "Benign"; Align-GVGD: "Class C65"). In summary, the available evidence is currently insufficient to determine the role of this variant in disease. Therefore, it has been classified as a Variant of Uncertain Significance.

NM_001723.7(DST):c.5654C>G (p.Thr1885Arg)

Gene: DST (dystonin; minus strand). Cytogenetic location: 6p12.1.
Variant type: single nucleotide variant.
Coding change: c.5654C>G on transcript NM_001723.7 (MANE Plus Clinical); coding-DNA position 5654, C replaced by G.
Protein change: p.Thr1885Arg; replaces threonine 1885 with arginine.
Molecular consequence: missense variant. On other transcripts: intron variant (10).
Genome position (GRCh38, 1-based): chr6:56,618,380, G>C on the plus strand (C>G on the coding strand, the complement: DST is on the minus strand). VCF-style: chr6-56618380-G-C. GRCh37 (hg19) VCF-style: chr6-56483178-G-C.
Other names: c.4831-3896C>G (NM_001144769.5); c.4930-3896C>G (NM_001374722.1, NM_001374736.1); c.4957-3896C>G (NM_001374734.1); c.4417-3896C>G (NM_001144770.2); c.4297-3896C>G (NM_001374730.1, NM_001386100.1, NM_183380.4 and 1 more transcripts); c.3319-3896C>G (NM_015548.5); short protein forms T1885R.
Identifiers: ClinVar variation 999174 (VCV000999174.6), dbSNP rs144274837, ClinGen allele CA139208860.